The following is an entry in ClinVar:

ClinVar aggregate classification (germline): Uncertain significance (1 of 4 stars; one submission).

gnomAD v4.1: 3 of 1,611,778 alleles (0.00019%); highest among the groups gnomAD compares: African/African-American, 0.0027%; no homozygotes.

Submission:

Labcorp Genetics (formerly Invitae), Labcorp
Classification: Uncertain significance. Last evaluated: 2025-11-03. Review status: criteria provided, single submitter. Criteria: Invitae Variant Classification Sherloc (09022015). Collection method: clinical testing. Allele origin: germline.
Comment: This sequence change replaces serine, which is neutral and polar, with asparagine, which is neutral and polar, at codon 572 of the ERBIN protein (p.Ser572Asn). This variant is not present in population databases (gnomAD no frequency). This variant has not been reported in the literature in individuals affected with ERBIN-related conditions. ClinVar contains an entry for this variant (Variation ID: 1992664). An algorithm developed to predict the effect of missense changes on protein structure and function outputs the following: PolyPhen-2: "Benign". The asparagine amino acid residue is found in multiple mammalian species, which suggests that this missense change does not adversely affect protein function. In summary, the available evidence is currently insufficient to determine the role of this variant in disease. Therefore, it has been classified as a Variant of Uncertain Significance.

NM_001253697.2(ERBIN):c.1715G>A (p.Ser572Asn)

Gene: ERBIN (erbb2 interacting protein; plus strand). Cytogenetic location: 5q12.3.
Variant type: single nucleotide variant.
Coding change: c.1715G>A on transcript NM_001253697.2 (MANE Select); coding-DNA position 1715, G replaced by A.
Protein change: p.Ser572Asn; replaces serine 572 with asparagine.
Molecular consequence: missense variant.
Genome position (GRCh38, 1-based): chr5:66,046,465, G>A. VCF-style: chr5-66046465-G-A. GRCh37 (hg19) VCF-style: chr5-65342293-G-A.
Other names: c.1715G>A, p.Ser572Asn (NM_001006600.3, NM_001253698.2, NM_001253699.2 and 1 more transcripts); c.1703G>A, p.Ser568Asn (NM_001253701.2); short protein forms S568N, S572N.
Identifiers: ClinVar variation 1992664 (VCV001992664.4), dbSNP rs2151213324, ClinGen allele CA359862735.